The following is an entry in ClinVar:

NM_001278116.2(L1CAM):c.16C>T (p.Arg6Trp)

Gene: L1CAM (L1 cell adhesion molecule; minus strand). Cytogenetic location: Xq28.
Variant type: single nucleotide variant.
Coding change: c.16C>T on transcript NM_001278116.2 (MANE Select); coding-DNA position 16, C replaced by T.
Protein change: p.Arg6Trp; replaces arginine 6 with tryptophan.
Molecular consequence: missense variant.
Genome position (GRCh38, 1-based): chrX:153,875,821, G>A on the plus strand (C>T on the coding strand, the complement: L1CAM is on the minus strand). VCF-style: chrX-153875821-G-A. GRCh37 (hg19) VCF-style: chrX-153141276-G-A.
Other names: c.16C>T, p.Arg6Trp (NM_000425.5, NM_001143963.2, NM_024003.3); short protein forms R6W.
Identifiers: ClinVar variation 2815366 (VCV002815366.3), dbSNP rs2521057181, ClinGen allele CA415143217.
Genomic context (GRCh38, chrX:153,875,821, plus strand): 5'-ATTCCTCGGGGATCTGGATAAGCAGGCAGGGGCTGCAGAGGAGGAGAGGCCACACGTACC[G>A]CAGCGCCACGACCATCTTTCCCGGCGGCACCGCGCAGCACAGCCAGCCGGGCTCGGTTCA-3'
Protein context (NP_001265045.1, residues 1-16): MVVAL[Arg6Trp]YVWPLLLCSP

ClinVar aggregate classification (germline): Uncertain significance (1 of 4 stars; one submission).

Conditions:
Spastic paraplegia. Identifiers: MedGen C0037772, HP:0001258.

Allele frequency attached by ClinVar (database versions not stated): gnomAD exomes below 0.00001.

Submission:

Labcorp Genetics (formerly Invitae), Labcorp
Classification: Uncertain significance for Spastic paraplegia. Last evaluated: 2022-11-19. Review status: criteria provided, single submitter. Criteria: Invitae Variant Classification Sherloc (09022015). Collection method: clinical testing. Allele origin: germline.
Comment: This sequence change replaces arginine, which is basic and polar, with tryptophan, which is neutral and slightly polar, at codon 6 of the L1CAM protein (p.Arg6Trp). This variant is not present in population databases (gnomAD no frequency). This variant has not been reported in the literature in individuals affected with L1CAM-related conditions. Advanced modeling of protein sequence and biophysical properties (such as structural, functional, and spatial information, amino acid conservation, physicochemical variation, residue mobility, and thermodynamic stability) performed at Invitae indicates that this missense variant is not expected to disrupt L1CAM protein function. In summary, the available evidence is currently insufficient to determine the role of this variant in disease. Therefore, it has been classified as a Variant of Uncertain Significance.